The following is an entry in ClinVar:

ClinVar aggregate classification (germline): Uncertain significance. Review status: criteria provided, multiple submitters, no conflicts (2 of 4 stars). 2 submissions from 2 submitters: Uncertain significance (2). Last evaluated 2025-10-16.

Conditions:
Neuroblastoma, susceptibility to, 3. Also called: ALK-Related Neuroblastic Tumor Susceptibility. Identifiers: Orphanet 635, MedGen C2751681, MONDO:0013083, OMIM 613014.
Hereditary cancer-predisposing syndrome. Also called: Neoplastic Syndromes, Hereditary; Hereditary neoplastic syndrome; Hereditary Cancer Syndrome; Tumor predisposition. Identifiers: Orphanet 140162, MedGen C0027672, MeSH D009386, MONDO:0015356.

Allele frequency attached by ClinVar (database versions not stated): TOPMed below 0.00001; gnomAD 0.00001.
gnomAD v4.1: 1 of 1,614,052 alleles (0.000062%); highest among the groups gnomAD compares: Non-Finnish European, 0.000085%; no homozygotes.

Submissions (2):

Ambry Genetics
Classification: Uncertain significance for Hereditary cancer-predisposing syndrome. Last evaluated: 2025-10-16. Review status: criteria provided, single submitter. Criteria: Ambry Variant Classification Scheme 2023. Collection method: clinical testing. Allele origin: germline.
Comment: The p.G975A variant (also known as c.2924G>C), located in coding exon 18 of the ALK gene, results from a G to C substitution at nucleotide position 2924. The glycine at codon 975 is replaced by alanine, an amino acid with similar properties. This amino acid position is conserved. In addition, the in silico prediction for this alteration is inconclusive. Based on the available evidence, the clinical significance of this variant remains unclear.

Labcorp Genetics (formerly Invitae), Labcorp
Classification: Uncertain significance for Neuroblastoma, susceptibility to, 3. Last evaluated: 2024-06-28. Review status: criteria provided, single submitter. Criteria: Invitae Variant Classification Sherloc (09022015). Collection method: clinical testing. Allele origin: germline.
Comment: This sequence change replaces glycine, which is neutral and non-polar, with alanine, which is neutral and non-polar, at codon 975 of the ALK protein (p.Gly975Ala). This variant is not present in population databases (gnomAD no frequency). This variant has not been reported in the literature in individuals affected with ALK-related conditions. ClinVar contains an entry for this variant (Variation ID: 999811). An algorithm developed to predict the effect of missense changes on protein structure and function (PolyPhen-2) suggests that this variant is likely to be disruptive. In summary, the available evidence is currently insufficient to determine the role of this variant in disease. Therefore, it has been classified as a Variant of Uncertain Significance.

NM_004304.5(ALK):c.2924G>C (p.Gly975Ala)

Gene: ALK (ALK receptor tyrosine kinase; minus strand). Cytogenetic location: 2p23.2.
Variant type: single nucleotide variant.
Coding change: c.2924G>C on transcript NM_004304.5 (MANE Select); coding-DNA position 2924, G replaced by C.
Protein change: p.Gly975Ala; replaces glycine 975 with alanine.
Molecular consequence: missense variant.
Genome position (GRCh38, 1-based): chr2:29,227,065, C>G on the plus strand (G>C on the coding strand, the complement: ALK is on the minus strand). VCF-style: chr2-29227065-C-G. GRCh37 (hg19) VCF-style: chr2-29449931-C-G.
Other names: c.2924G>C (NM_004304.4); short protein forms G975A.
Identifiers: ClinVar variation 999811 (VCV000999811.9), dbSNP rs1472378906, ClinGen allele CA346468110.